The following is an entry in ClinVar:

ClinVar aggregate classification (germline): Likely pathogenic. Review status: criteria provided, multiple submitters, no conflicts (2 of 4 stars). 3 submissions from 3 submitters: Likely pathogenic (3). Last evaluated 2025-07-25.

Conditions:
Hereditary cancer-predisposing syndrome. Also called: Hereditary neoplastic syndrome; Neoplastic Syndromes, Hereditary; Hereditary Cancer Syndrome; Tumor predisposition. Identifiers: Orphanet 140162, MedGen C0027672, MeSH D009386, MONDO:0015356.
Familial cancer of breast. Also called: BREAST CANCER, FAMILIAL; Hereditary breast cancer; hereditary breast carcinoma. Identifiers: Orphanet 227535, MedGen C0346153, MONDO:0016419, OMIM 114480. Disease mechanism: loss of function.

Submissions (3):

Color Diagnostics, LLC DBA Color Health
Classification: Likely pathogenic for Hereditary cancer-predisposing syndrome. Last evaluated: 2025-07-25. Review status: criteria provided, single submitter. Criteria: ACMG Guidelines, 2015. Collection method: clinical testing. Allele origin: germline.
Comment: This variant causes the deletion of the last 2 nucleotides of exon 7 and first 23 nucleotides of intron 7 in the BARD1 gene. This variant also has a nearby deletion in intron 7 that may be described together as c.1676_1677+49delinsACATTTATATAT (chr2.GRCh37:g.215617122_215617172delinsATATATAAATGT). Splice site prediction tools suggest that this variant may have a significant impact on RNA splicing. Although this prediction has not been confirmed in published RNA studies, this variant is expected to result in an absent or disrupted protein product. This variant has not been reported in individuals affected with BARD1-related disorders in the literature. This variant has not been identified in the general population by the Genome Aggregation Database (gnomAD). Based on the available evidence, this variant is classified as Likely Pathogenic.

Labcorp Genetics (formerly Invitae), Labcorp
Classification: Likely pathogenic for Familial cancer of breast. Last evaluated: 2025-05-04. Review status: criteria provided, single submitter. Criteria: Invitae Variant Classification Sherloc (09022015). Collection method: clinical testing. Allele origin: germline.
Comment: This variant results in the deletion of part of exon 7 (c.1676_1677+23del) of the BARD1 gene. It is expected to disrupt RNA splicing. Variants that disrupt the donor or acceptor splice site typically lead to a loss of protein function (PMID: 16199547), and loss-of-function variants in BARD1 are known to be pathogenic (PMID: 20077502, 21344236). This variant is not present in population databases (gnomAD no frequency). This variant has not been reported in the literature in individuals affected with BARD1-related conditions. ClinVar contains an entry for this variant (Variation ID: 530138). In summary, the currently available evidence indicates that the variant is pathogenic, but additional data are needed to prove that conclusively. Therefore, this variant has been classified as Likely Pathogenic.

Myriad Genetics, Inc.
Classification: Likely pathogenic for Familial cancer of breast. Last evaluated: 2023-05-23. Review status: criteria provided, single submitter. Criteria: Myriad Autosomal Dominant, Autosomal Recessive and X-Linked Classification Criteria (2023). Collection method: clinical testing. Allele origin: unknown.
Comment: This variant is considered likely pathogenic. This variant occurs within a consensus splice junction and is predicted to result in abnormal mRNA splicing of either an out-of-frame exon or an in-frame exon necessary for protein stability and/or normal function.

Literature cited by the submitters: PubMed 16199547 (cited by Labcorp Genetics (formerly Invitae), Labcorp); PubMed 20077502 (cited by Labcorp Genetics (formerly Invitae), Labcorp); PubMed 21344236 (cited by Labcorp Genetics (formerly Invitae), Labcorp).

NM_000465.4(BARD1):c.1676_1677+23del

Gene: BARD1 (BRCA1 associated RING domain 1; minus strand). Cytogenetic location: 2q35.
Variant type: Deletion.
Coding change: c.1676_1677+23del on transcript NM_000465.4 (MANE Select); coding-DNA position 1676 through 23 bases into the intron after coding-DNA position 1677, 25 bases deleted (TAGTAAGTATGGATTTAGCTTTGGG).
Molecular consequence: splice donor variant. On other transcripts: intron variant (1).
Genome position (GRCh38, 1-based): chr2:214,752,424-214,752,448, CCCAAAGCTAAATCCATACTTACTA deleted on the plus strand (TAGTAAGTATGGATTTAGCTTTGGG on the coding strand, the reverse complement: BARD1 is on the minus strand); deleting any 25 consecutive bases within chr2:214,752,424-214,752,449 gives the same sequence; the c. name uses the placement nearest the transcript's 3' end. VCF-style (leftmost placement, unchanged base first): chr2-214752423-TCCCAAAGCTAAATCCATACTTACTA-T. GRCh37 (hg19) VCF-style: chr2-215617147-TCCCAAAGCTAAATCCATACTTACTA-T.
Other names: c.1676_1677+23delTAGTAAGTATGGATTTAGCTTTGGG (NM_000465.3); c.266_267+23del (NM_001282548.2); c.1619_1620+23del (NM_001282543.2); c.323_324+23del (NM_001282545.2); c.365-21940_365-21916del (NM_001282549.2).
Identifiers: ClinVar variation 530138 (VCV000530138.11), dbSNP rs1553616339, ClinGen allele CA658796166.
Genomic context (GRCh38, chr2:214,752,423, plus strand): 5'-CAAATGGAAATTTTTCTATTATGTTCCTTTCATAACCAATTTTAATAAAATATATAAATG[TCCCAAAGCTAAATCCATACTTACTA>T]CTGAGCAGTGGCTAGCTGAGGATGATTCATTCTTCTCTGGTAGCAGCAATAGCGATTTCA-3'